The following continues an entry in ClinVar:

NM_001220.5(CAMK2B):c.416C>T (p.Pro139Leu)

Gene: CAMK2B. ClinVar aggregate classification (germline): Pathogenic/Likely pathogenic. Pathogenic (11); Likely pathogenic (1).

Submissions 12 to 16 of 16:

Neuberg Centre For Genomic Medicine, NCGM
Classification: Likely pathogenic for Intellectual developmental disorder, autosomal dominant 54. Review status: criteria provided, single submitter. Criteria: ACMG Guidelines, 2015. Collection method: clinical testing. Allele origin: germline. Affected: yes.
Comment: The missense variant p.P139L in CAMK2B (NM_001220.4) hasbeen previously reported in an affected patient (Kury et al,2017). It has been classified as Likely Pathogenic in the ClinVar database. The p.P139L variant is novel (not in any individuals) in gnomAD Exomes and is novel (not in any individuals) in 1000 Genomes. There is a moderate physicochemical difference between proline and leucine. The p.P139L missense variant is predicted to be damaging by both SIFT and PolyPhen2. The proline residue at codon 139 of CAMK2B is conserved in all mammalian species. The nucleotide c.416 in CAMK2B is predicted conserved by GERP++ and PhyloP across 100 vertebrates. For these reasons, this variant has been classified as Likely Pathogenic.

OMIM
Classification: Pathogenic for INTELLECTUAL DEVELOPMENTAL DISORDER, AUTOSOMAL DOMINANT 54. Last evaluated: 2022-04-28. Review status: no assertion criteria provided. Collection method: literature only. Allele origin: germline. Not counted in ClinVar's aggregate classification.

Gene Discovery Core-Manton Center, Boston Children's Hospital
Classification: Likely pathogenic for Intellectual developmental disorder, autosomal dominant 54. Last evaluated: 2019-02-05. Review status: no assertion criteria provided. Collection method: clinical testing. Allele origin: germline. Affected: yes. Not counted in ClinVar's aggregate classification.

Laboratory of Molecular Genetics (Pr. Bezieau's lab), CHU de Nantes
Classification: Pathogenic for Intellectual disability. Last evaluated: 2017-07-03. Review status: no assertion criteria provided. Collection method: research. Allele origin: de novo. Affected: yes. Observed: 3 variant alleles. Clinical features observed: Global developmental delay (HP:0001263), Delayed speech and language development (HP:0000750), Delayed gross motor development (HP:0002194), Muscular hypotonia (HP:0001252), Abnormality of movement (HP:0100022), Abnormal emotion/affect behavior (HP:0100851), Growth abnormality (HP:0001507), Abnormality of the eye (HP:0000478), Abnormality of the face (HP:0000271), Microcephaly (HP:0000252), Abnormality of the digestive system (HP:0025031). Not counted in ClinVar's aggregate classification.

NIHR Bioresource Rare Diseases, University of Cambridge
Classification: Likely pathogenic for Global developmental delay; Dystonic disorder; Hyperventilation; Agitation; Microcephaly; Apnea. Review status: no assertion criteria provided. Collection method: research. Allele origin: unknown. Affected: yes. Observed: 1 variant allele. Not counted in ClinVar's aggregate classification.

Literature cited by the submitters: PubMed 29100089 (cited by 8 submitters); PubMed 30842224 (cited by Ambry Genetics and Labcorp Genetics (formerly Invitae), Labcorp); PubMed 32875707 (cited by Ambry Genetics and Dasa); PubMed 31036916 (cited by Labcorp Genetics (formerly Invitae), Labcorp); PubMed 32581362 (cited by NIHR Bioresource Rare Diseases, University of Cambridge).